The following is an entry in ClinVar:

NM_015189.3(EXOC6B):c.1580G>A (p.Arg527Gln)

Gene: EXOC6B (exocyst complex component 6B; minus strand). Cytogenetic location: 2p13.2.
Variant type: single nucleotide variant.
Coding change: c.1580G>A on transcript NM_015189.3 (MANE Select); coding-DNA position 1580, G replaced by A.
Protein change: p.Arg527Gln; replaces arginine 527 with glutamine.
Molecular consequence: missense variant. On other transcripts: non-coding transcript variant (2).
Genome position (GRCh38, 1-based): chr2:72,492,403, C>T on the plus strand (G>A on the coding strand, the complement: EXOC6B is on the minus strand). VCF-style: chr2-72492403-C-T. GRCh37 (hg19) VCF-style: chr2-72719532-C-T.
Other names: c.1580G>A (NM_015189.1); c.1580G>A, p.Arg527Gln (NM_001321729.2, NM_001321730.2, NM_001321731.2 and 1 more transcripts); c.1241G>A, p.Arg414Gln (NM_001321734.2); short protein forms R414Q, R527Q.
Identifiers: ClinVar variation 1480458 (VCV001480458.7), dbSNP rs755839202, ClinGen allele CA1708404.
Genomic context (GRCh38, chr2:72,492,403, plus strand): 5'-TTAATTACATTCTGCAGAGAGTTGCTCAGAGTCCTGGTTAGCAACAGGTTTGTTGATTTC[C>T]GAATCATGTCATCAACTTCAGTTGAGCTGAAAAAGAAGCATTAAGAGTCAGTCATAGCAG-3'
Protein context (NP_056004.1, residues 517-537): LSSTEVDDMI[Arg527Gln]KSTNLLLTRT

ClinVar aggregate classification (germline): Uncertain significance. Review status: criteria provided, multiple submitters, no conflicts (2 of 4 stars). 2 submissions from 2 submitters: Uncertain significance (2). Last evaluated 2021-09-28.

Allele frequency attached by ClinVar (database versions not stated): gnomAD 0.00002 and 0.00004; gnomAD exomes 0.00004 and 0.00005; ExAC 0.00006.
gnomAD v4.1: 57 of 1,612,034 alleles (0.0035%); highest among the groups gnomAD compares: Middle Eastern, 0.066%; 1 homozygote.

Submissions (2):

Ambry Genetics
Classification: Uncertain significance. Last evaluated: 2021-09-28. Review status: criteria provided, single submitter. Criteria: Ambry Variant Classification Scheme 2023. Collection method: clinical testing. Allele origin: germline.

Labcorp Genetics (formerly Invitae), Labcorp
Classification: Uncertain significance. Last evaluated: 2021-05-27. Review status: criteria provided, single submitter. Criteria: Invitae Variant Classification Sherloc (09022015). Collection method: clinical testing. Allele origin: germline.
Comment: In summary, the available evidence is currently insufficient to determine the role of this variant in disease. Therefore, it has been classified as a Variant of Uncertain Significance. Experimental studies and prediction algorithms are not available or were not evaluated, and the functional significance of this variant is currently unknown. This variant has not been reported in the literature in individuals with EXOC6B-related conditions. This variant is present in population databases (rs755839202, ExAC 0.04%). This sequence change replaces arginine with glutamine at codon 527 of the EXOC6B protein (p.Arg527Gln). The arginine residue is highly conserved and there is a small physicochemical difference between arginine and glutamine.